The following is an entry in ClinVar:

ClinVar aggregate classification (germline): Likely benign. Review status: criteria provided, multiple submitters, no conflicts (2 of 4 stars). 2 submissions from 2 submitters: Likely benign (2). Last evaluated 2023-12-01.

Conditions:
Familial thoracic aortic aneurysm and aortic dissection (TAAD). Also called: Thoracic aortic aneurysms and dissections. Identifiers: Orphanet 91387, MedGen C4707243, MONDO:0019625.
Marfan syndrome (MFS). Also called: Marfan syndrome type 1; Marfan's syndrome; Marfan syndrome, classic; MARFAN SYNDROME, TYPE I; FBN1-Related Marfan Syndrome. Identifiers: Orphanet 284963, Orphanet 558, MedGen C0024796, MONDO:0007947, OMIM 154700.

Submissions (2):

All of Us Research Program, National Institutes of Health
Classification: Likely benign for Marfan syndrome. Last evaluated: 2023-12-01. Review status: criteria provided, single submitter. Criteria: ACMG Guidelines, 2015. Collection method: clinical testing. Allele origin: germline. Inheritance: Autosomal dominant inheritance. Observed: 1 variant allele, 1 heterozygote.
Comment: This study involves interpretation of variants in research participants for the purpose of population health screening. Participant phenotype was not available at the time of variant classification. Additional details can be found in publication PMID: 35346344, PMCID: PMC8962531

Color Diagnostics, LLC DBA Color Health
Classification: Likely benign for Familial thoracic aortic aneurysm and aortic dissection. Last evaluated: 2020-10-26. Review status: criteria provided, single submitter. Criteria: ACMG Guidelines, 2015. Collection method: clinical testing. Allele origin: germline.

NM_000138.5(FBN1):c.2793G>C (p.Gly931=)

Gene: FBN1 (fibrillin 1; minus strand). Cytogenetic location: 15q21.1.
Variant type: single nucleotide variant.
Coding change: c.2793G>C on transcript NM_000138.5 (MANE Select); coding-DNA position 2793, G replaced by C.
Protein change: p.Gly931=; no amino-acid change (glycine 931 retained).
Molecular consequence: synonymous variant.
Genome position (GRCh38, 1-based): chr15:48,492,522, C>G on the plus strand (G>C on the coding strand, the complement: FBN1 is on the minus strand). VCF-style: chr15-48492522-C-G. GRCh37 (hg19) VCF-style: chr15-48784719-C-G.
Identifiers: ClinVar variation 1172093 (VCV001172093.3), dbSNP rs775785545, ClinGen allele CA490020340.